The following is an entry in ClinVar:

ClinVar aggregate classification (germline): Uncertain significance (1 of 4 stars; one submission).

Allele frequency attached by ClinVar (database versions not stated): gnomAD exomes below 0.00001; TOPMed below 0.00001.
gnomAD v4.1: 2 of 1,613,870 alleles (0.00012%); highest among the groups gnomAD compares: Admixed American, 0.0033%; no homozygotes.

Submission:

Labcorp Genetics (formerly Invitae), Labcorp
Classification: Uncertain significance. Last evaluated: 2024-11-05. Review status: criteria provided, single submitter. Criteria: Invitae Variant Classification Sherloc (09022015). Collection method: clinical testing. Allele origin: germline.
Comment: This sequence change replaces glutamic acid, which is acidic and polar, with aspartic acid, which is acidic and polar, at codon 880 of the ACTN1 protein (p.Glu880Asp). This variant is present in population databases (no rsID available, gnomAD 0.003%). This variant has not been reported in the literature in individuals affected with ACTN1-related conditions. ClinVar contains an entry for this variant (Variation ID: 1968143). An algorithm developed to predict the effect of missense changes on protein structure and function (PolyPhen-2) suggests that this variant is likely to be disruptive. In summary, the available evidence is currently insufficient to determine the role of this variant in disease. Therefore, it has been classified as a Variant of Uncertain Significance.

NM_001130004.2(ACTN1):c.2640G>C (p.Glu880Asp)

Gene: ACTN1 (actinin alpha 1; minus strand). Cytogenetic location: 14q24.1.
Variant type: single nucleotide variant.
Coding change: c.2640G>C on transcript NM_001130004.2 (MANE Select); coding-DNA position 2640, G replaced by C.
Protein change: p.Glu880Asp; replaces glutamic acid 880 with aspartic acid.
Molecular consequence: missense variant.
Genome position (GRCh38, 1-based): chr14:68,874,964, C>G on the plus strand (G>C on the coding strand, the complement: ACTN1 is on the minus strand). VCF-style: chr14-68874964-C-G. GRCh37 (hg19) VCF-style: chr14-69341681-C-G.
Other names: c.2574G>C, p.Glu858Asp (NM_001102.4); c.2559G>C, p.Glu853Asp (NM_001130005.2); c.2583G>C, p.Glu861Asp (NM_001411035.1); c.2379G>C, p.Glu793Asp (NM_001411036.1); short protein forms E793D, E853D, E858D, E861D, E880D.
Identifiers: ClinVar variation 1968143 (VCV001968143.5), dbSNP rs1381740422, ClinGen allele CA390179160.
Genomic context (GRCh38, chr14:68,874,964, plus strand): 5'-GTCCAGAGCACCTGGCACGGAGTCGGGGCCGGTGTAGGGGGCCATCCGCGCGATGCAGTA[C>G]TCAGCCTGGTCGGGTGGCAGCTCGCGGCGCAGCTCGTCCATGGTAATGTAGTTCTGCGAG-3'
Protein context (NP_001123476.1, residues 870-890): LRRELPPDQA[Glu880Asp]YCIARMAPYT